The following is an entry in ClinVar:

ClinVar aggregate classification (germline): Uncertain significance. Review status: criteria provided, multiple submitters, no conflicts (2 of 4 stars). 2 submissions from 2 submitters: Uncertain significance (2). Last evaluated 2025-10-26.

Conditions:
Familial focal epilepsy with variable foci (FPEVF). Identifiers: Orphanet 98820, MedGen C1858477, MONDO:0020310.

Allele frequency attached by ClinVar (database versions not stated): TOPMed 0.00001; gnomAD exomes 0.00002 and 0.00003; ExAC 0.00004.
gnomAD v4.1: 9 of 1,611,592 alleles (0.00056%); highest among the groups gnomAD compares: Admixed American, 0.012%; no homozygotes.

Submissions (2):

Labcorp Genetics (formerly Invitae), Labcorp
Classification: Uncertain significance for Familial focal epilepsy with variable foci. Last evaluated: 2025-10-26. Review status: criteria provided, single submitter. Criteria: Invitae Variant Classification Sherloc (09022015). Collection method: clinical testing. Allele origin: germline.
Comment: This sequence change replaces lysine, which is basic and polar, with arginine, which is basic and polar, at codon 1065 of the DEPDC5 protein (p.Lys1065Arg). This variant is present in population databases (rs757609394, gnomAD 0.02%). This missense change has been observed in individual(s) with focal epilepsy (PMID: 27173016). ClinVar contains an entry for this variant (Variation ID: 653654). Experimental studies and prediction algorithms are not available or were not evaluated, and the functional significance of this variant is currently unknown. In summary, the available evidence is currently insufficient to determine the role of this variant in disease. Therefore, it has been classified as a Variant of Uncertain Significance.

GeneDx
Classification: Uncertain significance. Last evaluated: 2020-01-22. Review status: criteria provided, single submitter. Criteria: GeneDx Variant Classification Process June 2021. Collection method: clinical testing. Allele origin: germline. Affected: yes.
Comment: In silico analysis, which includes protein predictors and evolutionary conservation, supports that this variant does not alter protein structure/function; Identified in a proband with focal epilepsy but was not present in a similarly affected sibling (Weckhuysen et al., 2016); This variant is associated with the following publications: (PMID: 27173016)

Literature cited by the submitters: PubMed 27173016 (cited by Labcorp Genetics (formerly Invitae), Labcorp).

NM_001242896.3(DEPDC5):c.3194A>G (p.Lys1065Arg)

Gene: DEPDC5 (DEP domain containing 5, GATOR1 subcomplex subunit; plus strand). Cytogenetic location: 22q12.3.
Variant type: single nucleotide variant.
Coding change: c.3194A>G on transcript NM_001242896.3 (MANE Select); coding-DNA position 3194, A replaced by G.
Protein change: p.Lys1065Arg; replaces lysine 1065 with arginine.
Molecular consequence: missense variant. On other transcripts: non-coding transcript variant (5).
Genome position (GRCh38, 1-based): chr22:31,857,483, A>G. VCF-style: chr22-31857483-A-G. GRCh37 (hg19) VCF-style: chr22-32253469-A-G.
Other names: c.3167A>G, p.Lys1056Arg (NM_001136029.4, NM_001369903.1, NM_014662.6); c.2960A>G, p.Lys987Arg (NM_001242897.2, NM_001363854.2, NM_001364319.2); c.3194A>G, p.Lys1065Arg (NM_001363852.2, NM_001364318.2, NM_001364320.2); c.3110A>G, p.Lys1037Arg (NM_001369901.1, NM_001369902.1); short protein forms K1037R, K1056R, K1065R, K987R.
Identifiers: ClinVar variation 653654 (VCV000653654.12), dbSNP rs757609394, ClinGen allele CA10196897.